The following is an entry in ClinVar:

NM_022893.4(BCL11A):c.384A>T (p.Ala128=)

Gene: BCL11A (BCL11 transcription factor A; minus strand). Cytogenetic location: 2p16.1.
Variant type: single nucleotide variant.
Coding change: c.384A>T on transcript NM_022893.4 (MANE Select); coding-DNA position 384, A replaced by T.
Protein change: p.Ala128=; no amino-acid change (alanine 128 retained).
Molecular consequence: synonymous variant. On other transcripts: 5 prime UTR variant (7).
Genome position (GRCh38, 1-based): chr2:60,545,972, T>A on the plus strand (A>T on the coding strand, the complement: BCL11A is on the minus strand). VCF-style: chr2-60545972-T-A. GRCh37 (hg19) VCF-style: chr2-60773107-T-A.
Other names: c.384A>T, p.Ala128= (NM_001363864.1, NM_001365609.1, NM_001405708.1 and 10 more transcripts); c.228A>T, p.Ala76= (NM_001405713.1, NM_001405714.1, NM_001405715.1 and 10 more transcripts); c.-42A>T (NM_001405720.1, NM_001405721.1); c.-292A>T (NM_001405725.1, NM_001405726.1, NM_001405731.1); c.-149A>T (NM_001405727.1, NM_001405728.1).
Identifiers: ClinVar variation 3602428 (VCV003602428.1).

ClinVar aggregate classification (germline): Uncertain significance (1 of 4 stars; one submission).

Submission:

GeneDx
Classification: Uncertain significance. Last evaluated: 2024-07-30. Review status: criteria provided, single submitter. Criteria: GeneDx Variant Classification Process June 2021. Collection method: clinical testing. Allele origin: germline. Affected: yes.
Comment: Not observed at significant frequency in large population cohorts (gnomAD); In silico analysis is inconclusive as to whether the variant alters gene splicing. In the absence of RNA/functional studies, the actual effect of this sequence change is unknown.; Has not been previously published as pathogenic or benign to our knowledge